The following is an entry in ClinVar:

NM_001042492.3(NF1):c.2221T>A (p.Phe741Ile)

Gene: NF1 (neurofibromin 1; plus strand). Cytogenetic location: 17q11.2.
Variant type: single nucleotide variant.
Coding change: c.2221T>A on transcript NM_001042492.3 (MANE Select); coding-DNA position 2221, T replaced by A.
Protein change: p.Phe741Ile; replaces phenylalanine 741 with isoleucine.
Molecular consequence: missense variant.
Genome position (GRCh38, 1-based): chr17:31,226,654, T>A. VCF-style: chr17-31226654-T-A. GRCh37 (hg19) VCF-style: chr17-29553672-T-A.
Other names: c.2221T>A, p.Phe741Ile (NM_000267.4); short protein forms F741I.
Identifiers: ClinVar variation 480092 (VCV000480092.12), dbSNP rs533819802, ClinGen allele CA289335068.
Genomic context (GRCh38, chr17:31,226,654, plus strand): 5'-TGTGGGGTGGATGAAGTGTCAGTGCATAACCTCTTGCCCAACTATAACACATTCATGGAG[T>A]TTGCCTCTGTCAGCAATATGATGTCAACAGGTAAATGTGAATAGTGGTTTTTTTTACTCA-3'
Protein context (NP_001035957.1, residues 731-751): LLPNYNTFME[Phe741Ile]ASVSNMMSTG

ClinVar aggregate classification (germline): Uncertain significance. Review status: criteria provided, multiple submitters, no conflicts (2 of 4 stars). 4 submissions from 3 submitters: Uncertain significance (4). Last evaluated 2023-03-26.

Conditions:
Cardiovascular phenotype. Identifiers: MedGen CN230736.
Hereditary cancer-predisposing syndrome. Also called: Hereditary neoplastic syndrome; Neoplastic Syndromes, Hereditary; Tumor predisposition; Hereditary Cancer Syndrome. Identifiers: Orphanet 140162, MedGen C0027672, MeSH D009386, MONDO:0015356.
Neurofibromatosis, type 1 (NF1). Also called: VON RECKLINGHAUSEN DISEASE; Peripheral type neurofibromatosis; NEUROFIBROMATOSIS, TYPE I, SOMATIC; Neurofibromatosis, type I. Identifiers: Orphanet 636, MedGen C0027831, MONDO:0018975, OMIM 162200. Disease mechanism: loss of function.

Allele frequency attached by ClinVar (database versions not stated): gnomAD 0.00001; 1000 Genomes Project 30x 0.00016; 1000 Genomes Project 0.00020.
gnomAD v4.1: 1 of 1,613,800 alleles (0.000062%); highest among the groups gnomAD compares: East Asian, 0.0022%; no homozygotes.

Submissions (4):

Labcorp Genetics (formerly Invitae), Labcorp
Classification: Uncertain significance for Neurofibromatosis, type 1. Last evaluated: 2023-03-26. Review status: criteria provided, single submitter. Criteria: Invitae Variant Classification Sherloc (09022015). Collection method: clinical testing. Allele origin: germline.
Comment: In summary, the available evidence is currently insufficient to determine the role of this variant in disease. Therefore, it has been classified as a Variant of Uncertain Significance. This sequence change replaces phenylalanine, which is neutral and non-polar, with isoleucine, which is neutral and non-polar, at codon 741 of the NF1 protein (p.Phe741Ile). This variant is not present in population databases (gnomAD no frequency). This variant has not been reported in the literature in individuals affected with NF1-related conditions. ClinVar contains an entry for this variant (Variation ID: 480092). Advanced modeling of protein sequence and biophysical properties (such as structural, functional, and spatial information, amino acid conservation, physicochemical variation, residue mobility, and thermodynamic stability) performed at Invitae indicates that this missense variant is not expected to disrupt NF1 protein function.

Genome-Nilou Lab
Classification: Uncertain significance for Neurofibromatosis, type 1. Last evaluated: 2022-03-15. Review status: criteria provided, single submitter. Criteria: ACMG Guidelines, 2015. Collection method: clinical testing. Allele origin: germline. Affected: no.

Ambry Genetics
Classification: Uncertain significance for Cardiovascular phenotype; Hereditary cancer-predisposing syndrome. Last evaluated: 2020-03-27. Review status: criteria provided, single submitter. Criteria: Ambry Variant Classification Scheme 2023. Collection method: clinical testing. Allele origin: germline.

Ambry Genetics
Classification: Uncertain significance for Hereditary cancer-predisposing syndrome. Last evaluated: 2016-02-15. Review status: criteria provided, single submitter. Criteria: Ambry Autosomal Dominant and X-Linked criteria (10/2015). Collection method: clinical testing. Allele origin: germline. Observed: 1 variant allele.
Comment: The p.F741I variant (also known as c.2221T>A), located in coding exon 18 of the NF1 gene, results from a T to A substitution at nucleotide position 2221. The phenylalanine at codon 741 is replaced by isoleucine, an amino acid with highly similar properties. This variant was not reported in population based cohorts in the following databases: Database of Single Nucleotide Polymorphisms (dbSNP), NHLBI Exome Sequencing Project (ESP), and 1000 Genomes Project. In the ESP, this variant was not observed in 6503 samples (13006 alleles) with coverage at this position. To date, this alteration has been detected with an allele frequency of approximately 0.001% (greater than 110000alleles tested) in our clinical cohort.This amino acid position iswell conserved in available vertebrate species. In addition, this alteration is predicted to be tolerated by in silico analysis.Since supporting evidence is limited at this time, the clinical significance of this alterationremains unclear.